The following is an entry in ClinVar:

ClinVar aggregate classification (germline): Pathogenic (1 of 4 stars; one submission).

Conditions:
Walker-Warburg congenital muscular dystrophy. Also called: Muscular dystrophy-dystroglycanopathy, type A; Walker-Warburg syndrome. Identifiers: Orphanet 899, MedGen C0265221, MONDO:0000171.

Submission:

Labcorp Genetics (formerly Invitae), Labcorp
Classification: Pathogenic for Walker-Warburg congenital muscular dystrophy. Last evaluated: 2020-08-07. Review status: criteria provided, single submitter. Criteria: Invitae Variant Classification Sherloc (09022015). Collection method: clinical testing. Allele origin: germline.
Comment: A gross deletion of the genomic region encompassing the full coding sequence of the FKTN gene has been identified. The boundaries of this event are unknown as the deletion extends beyond the assayed region for this gene and therefore may encompass additional genes. This variant has not been reported in the literature in individuals with FKTN-related conditions. Loss-of-function variants in FKTN are known to be pathogenic (PMID: 17044012, 17878207, 18752264). For these reasons, this variant has been classified as Pathogenic.

Literature cited by the submitters: PubMed 17044012; PubMed 17878207; PubMed 18752264.

NC_000009.11:g.(?_108337304)_(108397555_?)del

Gene: FKTN (fukutin; plus strand). Cytogenetic location: 9q31.2.
Variant type: Deletion.
Identifiers: ClinVar variation 1070267 (VCV001070267.1).